The following is an entry in ClinVar:

NC_000002.11:g.(?_112760649)_(112767663_?)dup

Gene: MERTK (MER proto-oncogene, tyrosine kinase; plus strand). Cytogenetic location: 2q13.
Variant type: Duplication.
Identifiers: ClinVar variation 1067294 (VCV001067294.3).

ClinVar aggregate classification (germline): Likely pathogenic (1 of 4 stars; one submission).

Submission:

Labcorp Genetics (formerly Invitae), Labcorp
Classification: Likely pathogenic. Last evaluated: 2022-12-16. Review status: criteria provided, single submitter. Criteria: Invitae Variant Classification Sherloc (09022015). Collection method: clinical testing. Allele origin: germline.
Comment: In summary, the currently available evidence indicates that the variant is pathogenic, but additional data are needed to prove that conclusively. Therefore, this variant has been classified as Likely Pathogenic. This variant has not been reported in the literature in individuals affected with MERTK-related conditions. This variant results in a copy number gain of the genomic region encompassing exon(s) 12-15 of the MERTK gene. While the exact position of this variant cannot be determined from the data, sub-genic copy number gains are generally in tandem (PMID: 25640679). This variant is predicted to be out-of-frame, and may result in an absent or disrupted protein product. Loss-of-function variants in MERTK are known to be pathogenic (PMID: 24265693, 29659094).

Literature cited by the submitters: PubMed 25640679; PubMed 24265693; PubMed 29659094.